The following is an entry in ClinVar:

NM_000353.3(TAT):c.170G>A (p.Arg57Gln)

Gene: TAT (tyrosine aminotransferase; minus strand). Cytogenetic location: 16q22.2.
Variant type: single nucleotide variant.
Coding change: c.170G>A on transcript NM_000353.3 (MANE Select); coding-DNA position 170, G replaced by A.
Protein change: p.Arg57Gln; replaces arginine 57 with glutamine.
Molecular consequence: missense variant.
Genome position (GRCh38, 1-based): chr16:71,576,246, C>T on the plus strand (G>A on the coding strand, the complement: TAT is on the minus strand). VCF-style: chr16-71576246-C-T. GRCh37 (hg19) VCF-style: chr16-71610149-C-T.
Other names: short protein forms R57Q.
Identifiers: ClinVar variation 2632212 (VCV002632212.1), dbSNP rs1487092178, ClinGen allele CA396654142.
Genomic context (GRCh38, chr16:71,576,246, plus strand): 5'-GACAGGGAAATCATGGTTTTGTTTGGATTTGGTTTCACCTTCATGTTGTCCACAATGGCT[C>T]GGATGGGGTTGAAAGTTTTCTTGGCCATGTCTGAGGGCCTCACAGACCACCTGGCCTTTC-3'
Protein context (NP_000344.1, residues 47-67): DMAKKTFNPI[Arg57Gln]AIVDNMKVKP

ClinVar aggregate classification (germline): Uncertain significance (1 of 4 stars; one submission).

Conditions:
TAT-related disorder. Also called: TAT-related condition.

Submission:

PreventionGenetics, part of Exact Sciences
Classification: Uncertain significance for TAT-related condition. Last evaluated: 2023-06-13. Review status: criteria provided, single submitter. Criteria: ACMG Guidelines, 2015. Collection method: clinical testing. Allele origin: germline.
Comment: The TAT c.170G>A variant is predicted to result in the amino acid substitution p.Arg57Gln. To our knowledge, this variant has not been reported in the literature or in a large population database, indicating this variant is rare. At this time, the clinical significance of this variant is uncertain due to the absence of conclusive functional and genetic evidence.